The following is an entry in ClinVar:

ClinVar aggregate classification (germline): Uncertain significance (1 of 4 stars; one submission).

Submission:

Labcorp Genetics (formerly Invitae), Labcorp
Classification: Uncertain significance. Last evaluated: 2025-03-30. Review status: criteria provided, single submitter. Criteria: Invitae Variant Classification Sherloc (09022015). Collection method: clinical testing. Allele origin: germline.
Comment: This sequence change replaces serine, which is neutral and polar, with asparagine, which is neutral and polar, at codon 134 of the USH2A protein (p.Ser134Asn). This variant is not present in population databases (gnomAD no frequency). This variant has not been reported in the literature in individuals affected with USH2A-related conditions. ClinVar contains an entry for this variant (Variation ID: 1493451). Invitae Evidence Modeling of protein sequence and biophysical properties (such as structural, functional, and spatial information, amino acid conservation, physicochemical variation, residue mobility, and thermodynamic stability) indicates that this missense variant is not expected to disrupt USH2A protein function with a negative predictive value of 95%. In summary, the available evidence is currently insufficient to determine the role of this variant in disease. Therefore, it has been classified as a Variant of Uncertain Significance.

NM_206933.4(USH2A):c.401G>A (p.Ser134Asn)

Gene: USH2A (usherin; minus strand). Cytogenetic location: 1q41.
Variant type: single nucleotide variant.
Coding change: c.401G>A on transcript NM_206933.4 (MANE Select); coding-DNA position 401, G replaced by A.
Protein change: p.Ser134Asn; replaces serine 134 with asparagine.
Molecular consequence: missense variant.
Genome position (GRCh38, 1-based): chr1:216,421,936, C>T on the plus strand (G>A on the coding strand, the complement: USH2A is on the minus strand). VCF-style: chr1-216421936-C-T. GRCh37 (hg19) VCF-style: chr1-216595278-C-T.
Other names: c.401G>A, p.Ser134Asn (NM_007123.6); short protein forms S134N.
Identifiers: ClinVar variation 1493451 (VCV001493451.6), dbSNP rs1180218787, ClinGen allele CA344903964.